The following is an entry in ClinVar:

NM_000093.5(COL5A1):c.2463C>G (p.Asp821Glu)

Gene: COL5A1 (collagen type V alpha 1 chain; plus strand). Cytogenetic location: 9q34.3.
Variant type: single nucleotide variant.
Coding change: c.2463C>G on transcript NM_000093.5 (MANE Select); coding-DNA position 2463, C replaced by G.
Protein change: p.Asp821Glu; replaces aspartic acid 821 with glutamic acid.
Molecular consequence: missense variant.
Genome position (GRCh38, 1-based): chr9:134,782,699, C>G. VCF-style: chr9-134782699-C-G. GRCh37 (hg19) VCF-style: chr9-137674545-C-G.
Other names: c.2463C>G, p.Asp821Glu (NM_001278074.1); short protein forms D821E.
Identifiers: ClinVar variation 3676569 (VCV003676569.2).

ClinVar aggregate classification (germline): Uncertain significance (1 of 4 stars; one submission).

Conditions:
Ehlers-Danlos syndrome, classic type, 1 (EDSCL1). Also called: EHLERS-DANLOS SYNDROME, GRAVIS TYPE; EHLERS-DANLOS SYNDROME, SEVERE CLASSIC TYPE; Ehlers-Danlos syndrome, type 1; Ehlers-Danlos Syndrome, Classic Type, COL5A1-Related; EDS I. Identifiers: MedGen C0268335, MONDO:0019567, OMIM 130000.

gnomAD v4.1: 2 of 1,613,658 alleles (0.00012%); highest among the groups gnomAD compares: Non-Finnish European, 0.00017%; no homozygotes.

Submission:

Labcorp Genetics (formerly Invitae), Labcorp
Classification: Uncertain significance for Ehlers-Danlos syndrome, classic type, 1. Last evaluated: 2024-02-25. Review status: criteria provided, single submitter. Criteria: Invitae Variant Classification Sherloc (09022015). Collection method: clinical testing. Allele origin: germline.
Comment: This sequence change replaces aspartic acid, which is acidic and polar, with glutamic acid, which is acidic and polar, at codon 821 of the COL5A1 protein (p.Asp821Glu). This variant is not present in population databases (gnomAD no frequency). This variant has not been reported in the literature in individuals affected with COL5A1-related conditions. Advanced modeling of protein sequence and biophysical properties (such as structural, functional, and spatial information, amino acid conservation, physicochemical variation, residue mobility, and thermodynamic stability) performed at Invitae indicates that this missense variant is not expected to disrupt COL5A1 protein function with a negative predictive value of 95%. In summary, the available evidence is currently insufficient to determine the role of this variant in disease. Therefore, it has been classified as a Variant of Uncertain Significance.